The following is an entry in ClinVar:

NM_002691.4(POLD1):c.2721G>A (p.Met907Ile)

Gene: POLD1 (DNA polymerase delta 1, catalytic subunit; plus strand). Cytogenetic location: 19q13.33.
Variant type: single nucleotide variant.
Coding change: c.2721G>A on transcript NM_002691.4 (MANE Select); coding-DNA position 2721, G replaced by A.
Protein change: p.Met907Ile; replaces methionine 907 with isoleucine.
Molecular consequence: missense variant.
Genome position (GRCh38, 1-based): chr19:50,415,727, G>A. VCF-style: chr19-50415727-G-A. GRCh37 (hg19) VCF-style: chr19-50918984-G-A.
Other names: c.2721G>A, p.Met907Ile (NM_001256849.1); c.2799G>A, p.Met933Ile (NM_001308632.1); short protein forms M907I, M933I.
Identifiers: ClinVar variation 2448201 (VCV002448201.5), dbSNP rs2514057294, ClinGen allele CA406985803.

ClinVar aggregate classification (germline): Uncertain significance. Review status: criteria provided, multiple submitters, no conflicts (2 of 4 stars). 2 submissions from 2 submitters: Uncertain significance (2). Last evaluated 2025-01-13.

Conditions:
POLD1-related polyposis and colorectal cancer syndrome (CRCS10). Also called: COLORECTAL CANCER, SUSCEPTIBILITY TO, ON CHROMOSOME 19q; Colorectal cancer 10; Colorectal cancer, susceptibility to, 10. Identifiers: Orphanet 220460, MedGen C2675481, MONDO:0012953, OMIM 612591.
Hereditary cancer-predisposing syndrome. Also called: Neoplastic Syndromes, Hereditary; Tumor predisposition; Hereditary Cancer Syndrome; Hereditary neoplastic syndrome. Identifiers: Orphanet 140162, MedGen C0027672, MeSH D009386, MONDO:0015356.

Submissions (2):

Labcorp Genetics (formerly Invitae), Labcorp
Classification: Uncertain significance for POLD1-related polyposis and colorectal cancer syndrome. Last evaluated: 2025-01-13. Review status: criteria provided, single submitter. Criteria: Invitae Variant Classification Sherloc (09022015). Collection method: clinical testing. Allele origin: germline.
Comment: This sequence change replaces methionine, which is neutral and non-polar, with isoleucine, which is neutral and non-polar, at codon 907 of the POLD1 protein (p.Met907Ile). This variant is not present in population databases (gnomAD no frequency). This variant has not been reported in the literature in individuals affected with POLD1-related conditions. ClinVar contains an entry for this variant (Variation ID: 2448201). Invitae Evidence Modeling of protein sequence and biophysical properties (such as structural, functional, and spatial information, amino acid conservation, physicochemical variation, residue mobility, and thermodynamic stability) indicates that this missense variant is not expected to disrupt POLD1 protein function with a negative predictive value of 80%. In summary, the available evidence is currently insufficient to determine the role of this variant in disease. Therefore, it has been classified as a Variant of Uncertain Significance.

Ambry Genetics
Classification: Uncertain significance for Hereditary cancer-predisposing syndrome. Last evaluated: 2022-12-07. Review status: criteria provided, single submitter. Criteria: Ambry Variant Classification Scheme 2023. Collection method: clinical testing. Allele origin: germline.
Comment: The p.M907I variant (also known as c.2721G>A), located in coding exon 21 of the POLD1 gene, results from a G to A substitution at nucleotide position 2721. The methionine at codon 907 is replaced by isoleucine, an amino acid with highly similar properties. This amino acid position is conserved. In addition, this alteration is predicted to be tolerated by in silico analysis. Since supporting evidence is limited at this time, the clinical significance of this alteration remains unclear.